The following is an entry in ClinVar:

ClinVar aggregate classification (germline): Uncertain significance (1 of 4 stars; one submission).

Conditions:
Acromesomelic dysplasia 1, Maroteaux type (AMD1). Also called: ACROMESOMELIC DYSPLASIA 1; ST. HELENA DYSPLASIA. Identifiers: Orphanet 40, MedGen C1864356, MONDO:0011275, OMIM 602875.
Tall stature-scoliosis-macrodactyly of the great toes syndrome. Also called: Epiphyseal chondrodysplasia, miura type. Identifiers: Orphanet 329191, MedGen C4014690, MONDO:0014401, OMIM 615923.

Allele frequency attached by ClinVar (database versions not stated): gnomAD 0.00001; gnomAD exomes 0.00001; TOPMed 0.00002.
gnomAD v4.1: 5 of 1,614,074 alleles (0.00031%); highest among the groups gnomAD compares: East Asian, 0.0022%; no homozygotes.

Submission:

Labcorp Genetics (formerly Invitae), Labcorp
Classification: Uncertain significance for Tall stature-scoliosis-macrodactyly of the great toes syndrome; Acromesomelic dysplasia 1, Maroteaux type. Last evaluated: 2024-02-17. Review status: criteria provided, single submitter. Criteria: Invitae Variant Classification Sherloc (09022015). Collection method: clinical testing. Allele origin: germline.
Comment: This sequence change replaces arginine, which is basic and polar, with cysteine, which is neutral and slightly polar, at codon 720 of the NPR2 protein (p.Arg720Cys). This variant is present in population databases (no rsID available, gnomAD 0.007%). This variant has not been reported in the literature in individuals affected with NPR2-related conditions. ClinVar contains an entry for this variant (Variation ID: 1450225). Advanced modeling of protein sequence and biophysical properties (such as structural, functional, and spatial information, amino acid conservation, physicochemical variation, residue mobility, and thermodynamic stability) performed at Invitae indicates that this missense variant is not expected to disrupt NPR2 protein function with a negative predictive value of 80%. In summary, the available evidence is currently insufficient to determine the role of this variant in disease. Therefore, it has been classified as a Variant of Uncertain Significance.

NM_003995.4(NPR2):c.2158C>T (p.Arg720Cys)

Gene: NPR2 (natriuretic peptide receptor 2; plus strand). Cytogenetic location: 9p13.3.
Variant type: single nucleotide variant.
Coding change: c.2158C>T on transcript NM_003995.4 (MANE Select); coding-DNA position 2158, C replaced by T.
Protein change: p.Arg720Cys; replaces arginine 720 with cysteine.
Molecular consequence: missense variant.
Genome position (GRCh38, 1-based): chr9:35,805,940, C>T. VCF-style: chr9-35805940-C-T. GRCh37 (hg19) VCF-style: chr9-35805937-C-T.
Other names: c.2167C>T, p.Arg723Cys (NM_001378923.1); short protein forms R723C, R720C.
Identifiers: ClinVar variation 1450225 (VCV001450225.9), dbSNP rs1319830472, ClinGen allele CA373378595.